The following is an entry in ClinVar:

ClinVar aggregate classification (germline): Uncertain significance (1 of 4 stars; one submission).

Conditions:
Catecholaminergic polymorphic ventricular tachycardia (CVPT). Also called: Catecholamine-induced polymorphic ventricular tachycardia. Identifiers: Orphanet 3286, MedGen C5574922, MONDO:0017990.

Submission:

All of Us Research Program, National Institutes of Health
Classification: Uncertain significance for Catecholaminergic polymorphic ventricular tachycardia. Last evaluated: 2024-04-25. Review status: criteria provided, single submitter. Criteria: ACMG Guidelines, 2015. Collection method: clinical testing. Allele origin: germline. Inheritance: Autosomal dominant inheritance. Observed: 1 variant allele, 1 heterozygote.
Comment: This missense variant replaces serine with arginine at codon 4550 of the RYR2 protein. Computational prediction suggests that this variant may not impact protein structure and function (internally defined REVEL score threshold <= 0.5, PMID: 27666373). To our knowledge, functional studies have not been reported for this variant. This variant has not been reported in individuals affected with RYR2-related disorders in the literature. This variant has not been identified in the general population by the Genome Aggregation Database (gnomAD). The available evidence is insufficient to determine the role of this variant in disease conclusively. Therefore, this variant is classified as a Variant of Uncertain Significance.

This study involves interpretation of variants in research participants for the purpose of population health screening. Participant phenotype was not available at the time of variant classification. Additional details can be found in publication PMID: 35346344, PMCID: PMC8962531

NM_001035.3(RYR2):c.13650C>A (p.Ser4550Arg)

Gene: RYR2 (ryanodine receptor 2; plus strand). Cytogenetic location: 1q43.
Variant type: single nucleotide variant.
Coding change: c.13650C>A on transcript NM_001035.3 (MANE Select); coding-DNA position 13650, C replaced by A.
Protein change: p.Ser4550Arg; replaces serine 4550 with arginine.
Molecular consequence: missense variant.
Genome position (GRCh38, 1-based): chr1:237,792,191, C>A. VCF-style: chr1-237792191-C-A. GRCh37 (hg19) VCF-style: chr1-237955491-C-A.
Other names: short protein forms S4550R.
Identifiers: ClinVar variation 3385868 (VCV003385868.1).